The following is an entry in ClinVar:

NM_004415.4(DSP):c.3192dup (p.Tyr1065fs)

Gene: DSP (desmoplakin; plus strand). Cytogenetic location: 6p24.3.
Variant type: Duplication.
Coding change: c.3192dup on transcript NM_004415.4 (MANE Select); coding-DNA position 3192, one base duplicated (A; older notation c.3192dupA).
Protein change: p.Tyr1065fs; shifts the reading frame from tyrosine 1065.
Molecular consequence: frameshift variant.
Genome position (GRCh38, 1-based): chr6:7,579,382, A duplicated; the last of 3 consecutive A bases (chr6:7,579,380-7,579,382); duplicating any one gives the same sequence. VCF-style (leftmost placement, unchanged base first): chr6-7579379-G-GA. GRCh37 (hg19) VCF-style: chr6-7579612-G-GA.
Other names: c.3192dup, p.Tyr1065fs (NM_001008844.3, NM_001319034.2); short protein forms Y1065fs.
Identifiers: ClinVar variation 1075975 (VCV001075975.7), dbSNP rs778930865, ClinGen allele CA2499218555.

ClinVar aggregate classification (germline): Pathogenic (1 of 4 stars; one submission).

Conditions:
Arrhythmogenic right ventricular dysplasia 8 (ARVD8). Also called: Arrhythmogenic Right Ventricular Dysplasia/Cardiomyopathy 8; ARRHYTHMOGENIC RIGHT VENTRICULAR DYSPLASIA, FAMILIAL, 8; ARRHYTHMOGENIC RIGHT VENTRICULAR CARDIOMYOPATHY 8. Identifiers: MedGen C1843896, MONDO:0011831, OMIM 607450.
Arrhythmogenic cardiomyopathy with wooly hair and keratoderma. Also called: Carvajal syndrome; PALMOPLANTAR KERATODERMA WITH LEFT VENTRICULAR CARDIOMYOPATHY AND WOOLLY HAIR; Arrhythmogenic cardiomyopathy with woolly hair and keratoderma; Dilated cardiomyopathy with woolly hair and keratoderma. Identifiers: Orphanet 65282, MedGen C1854063, MONDO:0011581, OMIM 605676.

Submission:

Labcorp Genetics (formerly Invitae), Labcorp
Classification: Pathogenic for Arrhythmogenic cardiomyopathy with wooly hair and keratoderma; Arrhythmogenic right ventricular dysplasia 8. Last evaluated: 2020-04-02. Review status: criteria provided, single submitter. Criteria: Invitae Variant Classification Sherloc (09022015). Collection method: clinical testing. Allele origin: germline.
Comment: This variant has not been reported in the literature in individuals with DSP-related conditions. This variant is not present in population databases (ExAC no frequency). This sequence change creates a premature translational stop signal (p.Tyr1065Ilefs*23) in the DSP gene. It is expected to result in an absent or disrupted protein product. Loss-of-function variants in DSP are known to be pathogenic (PMID: 20716751, 24503780, 25227139). For these reasons, this variant has been classified as Pathogenic.

Literature cited by the submitters: PubMed 20716751; PubMed 24503780; PubMed 25227139.